The following is an entry in ClinVar:

NM_001205293.3(CACNA1E):c.2663G>A (p.Cys888Tyr)

Gene: CACNA1E (calcium voltage-gated channel subunit alpha1 E; plus strand). Cytogenetic location: 1q25.3.
Variant type: single nucleotide variant.
Coding change: c.2663G>A on transcript NM_001205293.3 (MANE Select); coding-DNA position 2663, G replaced by A.
Protein change: p.Cys888Tyr; replaces cysteine 888 with tyrosine.
Molecular consequence: missense variant.
Genome position (GRCh38, 1-based): chr1:181,732,749, G>A. VCF-style: chr1-181732749-G-A. GRCh37 (hg19) VCF-style: chr1-181701885-G-A.
Other names: c.2663G>A, p.Cys888Tyr (NM_000721.4); c.2606G>A, p.Cys869Tyr (NM_001205294.2); short protein forms C869Y, C888Y.
Identifiers: ClinVar variation 1204092 (VCV001204092.5), dbSNP rs776110155, ClinGen allele CA343618427.
Genomic context (GRCh38, chr1:181,732,749, plus strand): 5'-ACAACCAGAGGACCCCTTTGTCCCTGGGCCAGCGGGAGCCACCATGGCTGGCCAGGCCCT[G>A]TCATGGAAACTGTGACCCGACTCAGCAGGAGGCAGGGGGAGGAGAGGCTGTGGTGACCTT-3'
Protein context (NP_001192222.1, residues 878-898): QREPPWLARP[Cys888Tyr]HGNCDPTQQE

ClinVar aggregate classification (germline): Uncertain significance (1 of 4 stars; one submission).

Submission:

GeneDx
Classification: Uncertain significance. Last evaluated: 2022-03-09. Review status: criteria provided, single submitter. Criteria: GeneDx Variant Classification Process June 2021. Collection method: clinical testing. Allele origin: germline. Affected: yes.
Comment: Not observed at significant frequency in large population cohorts (gnomAD); In silico analysis supports that this missense variant has a deleterious effect on protein structure/function; Has not been previously published as pathogenic or benign to our knowledge